The following is an entry in ClinVar:

ClinVar aggregate classification (germline): Uncertain significance (1 of 4 stars; one submission).

Submission:

Labcorp Genetics (formerly Invitae), Labcorp
Classification: Uncertain significance. Last evaluated: 2021-12-13. Review status: criteria provided, single submitter. Criteria: Invitae Variant Classification Sherloc (09022015). Collection method: clinical testing. Allele origin: germline.
Comment: In summary, the available evidence is currently insufficient to determine the role of this variant in disease. Therefore, it has been classified as a Variant of Uncertain Significance. Algorithms developed to predict the effect of missense changes on protein structure and function (SIFT, PolyPhen-2, Align-GVGD) all suggest that this variant is likely to be tolerated. This variant has not been reported in the literature in individuals affected with FBLN5-related conditions. This variant is not present in population databases (gnomAD no frequency). This sequence change replaces glutamine, which is neutral and polar, with histidine, which is basic and polar, at codon 417 of the FBLN5 protein (p.Gln417His).

NM_006329.4(FBLN5):c.1251G>T (p.Gln417His)

Gene: FBLN5 (fibulin 5; minus strand). Cytogenetic location: 14q32.12.
Variant type: single nucleotide variant.
Coding change: c.1251G>T on transcript NM_006329.4 (MANE Select); coding-DNA position 1251, G replaced by T.
Protein change: p.Gln417His; replaces glutamine 417 with histidine.
Molecular consequence: missense variant. On other transcripts: 3 prime UTR variant (2).
Genome position (GRCh38, 1-based): chr14:91,870,320, C>A on the plus strand (G>T on the coding strand, the complement: FBLN5 is on the minus strand). VCF-style: chr14-91870320-C-A. GRCh37 (hg19) VCF-style: chr14-92336664-C-A.
Other names: c.1374G>T, p.Gln458His (NM_001384158.1); c.1302G>T, p.Gln434His (NM_001384159.1); c.*35G>T (NM_001384160.1, NM_001384161.1); c.1083G>T, p.Gln361His (NM_001384162.1); short protein forms Q434H, Q361H, Q458H, Q417H.
Identifiers: ClinVar variation 2042408 (VCV002042408.4), dbSNP rs570775391, ClinGen allele CA390639308.